The following is an entry in ClinVar:

ClinVar aggregate classification (germline): Uncertain significance (1 of 4 stars; one submission).

Conditions:
Familial hypobetalipoproteinemia 1. Also called: APOB-Related Familial Hypobetalipoproteinemia; Hypobetalipoproteinemia, normotriglyceridemic; Acanthocytosis with hypobetalipoproteinemia. Identifiers: MedGen C4551990, MONDO:0014252, OMIM 615558.
Hypercholesterolemia, autosomal dominant, type B (FHCL2). Also called: Familial Hypercholesterolemia Type B; APOLIPOPROTEIN B-100, FAMILIAL DEFECTIVE; APOLIPOPROTEIN B-100, FAMILIAL LIGAND-DEFECTIVE; HYPERCHOLESTEROLEMIA, FAMILIAL, DUE TO LIGAND-DEFECTIVE APOLIPOPROTEIN B; Hyperlipoproteinemia Type IIb; Familial hypercholesterolemia 2. Identifiers: MedGen C1704417, MONDO:0007751, OMIM 144010.

Allele frequency attached by ClinVar (database versions not stated): TOPMed 0.00001 and 0.00002.

Submission:

Labcorp Genetics (formerly Invitae), Labcorp
Classification: Uncertain significance for Familial hypobetalipoproteinemia 1; Hypercholesterolemia, autosomal dominant, type B. Last evaluated: 2024-04-24. Review status: criteria provided, single submitter. Criteria: Invitae Variant Classification Sherloc (09022015). Collection method: clinical testing. Allele origin: germline.
Comment: This sequence change replaces glutamine, which is neutral and polar, with lysine, which is basic and polar, at codon 1926 of the APOB protein (p.Gln1926Lys). This variant is not present in population databases (gnomAD no frequency). This variant has not been reported in the literature in individuals affected with APOB-related conditions. Advanced modeling of protein sequence and biophysical properties (such as structural, functional, and spatial information, amino acid conservation, physicochemical variation, residue mobility, and thermodynamic stability) performed at Invitae indicates that this missense variant is not expected to disrupt APOB protein function with a negative predictive value of 95%. In summary, the available evidence is currently insufficient to determine the role of this variant in disease. Therefore, it has been classified as a Variant of Uncertain Significance.

NM_000384.3(APOB):c.5776C>A (p.Gln1926Lys)

Gene: APOB (apolipoprotein B; minus strand). Cytogenetic location: 2p24.1.
Variant type: single nucleotide variant.
Coding change: c.5776C>A on transcript NM_000384.3 (MANE Select); coding-DNA position 5776, C replaced by A.
Protein change: p.Gln1926Lys; replaces glutamine 1926 with lysine.
Molecular consequence: missense variant.
Genome position (GRCh38, 1-based): chr2:21,011,092, G>T on the plus strand (C>A on the coding strand, the complement: APOB is on the minus strand). VCF-style: chr2-21011092-G-T. GRCh37 (hg19) VCF-style: chr2-21233964-G-T.
Other names: short protein forms Q1926K.
Identifiers: ClinVar variation 3758741 (VCV003758741.2), dbSNP rs372161502.
Genomic context (GRCh38, chr2:21,011,092, plus strand): 5'-AATCATGAGAGAAAGTAAATGCCAGAGGTTCTGCTTTCAACAGGAATTTGCTATACAGCT[G>T]CCCAGTATGTTCTCCCCAGAGAGCGAGTTTCCCATTGCCATTTGTATGTGCATCGATGGT-3'
Protein context (NP_000375.3, residues 1916-1936): KLALWGEHTG[Gln1926Lys]LYSKFLLKAE